The following is an entry in ClinVar:

NM_000038.6(APC):c.6594G>T (p.Leu2198Phe)

Gene: APC (APC regulator of Wnt signaling pathway; plus strand). Cytogenetic location: 5q22.2.
Variant type: single nucleotide variant.
Coding change: c.6594G>T on transcript NM_000038.6 (MANE Select); coding-DNA position 6594, G replaced by T.
Protein change: p.Leu2198Phe; replaces leucine 2198 with phenylalanine.
Molecular consequence: missense variant. On other transcripts: non-coding transcript variant (2).
Genome position (GRCh38, 1-based): chr5:112,842,188, G>T. VCF-style: chr5-112842188-G-T. GRCh37 (hg19) VCF-style: chr5-112177885-G-T.
Other names: c.6207G>T, p.Leu2069Phe (NM_001407469.1, NM_001407467.1); c.5442G>T, p.Leu1814Phe (NM_001407471.1, NM_001407472.1); c.5745G>T, p.Leu1915Phe (NM_001407470.1, NM_001354906.2); c.6594G>T, p.Leu2198Phe (NM_001127510.3, NM_001354895.2, NM_001407450.1); c.6540G>T, p.Leu2180Phe (NM_001127511.3); c.6648G>T, p.Leu2216Phe (NM_001354896.2, NM_001407447.1, NM_001407448.1 and 1 more transcripts); c.6624G>T, p.Leu2208Phe (NM_001354897.2); c.6519G>T, p.Leu2173Phe (NM_001354898.2); and 11 more; short protein forms L1814F, L1915F, L2038F, L2069F, L2072F, L2097F, L2107F, L2115F.
Identifiers: ClinVar variation 3230926 (VCV003230926.1), dbSNP rs2149968481, ClinGen allele CA16035761.
Genomic context (GRCh38, chr5:112,842,188, plus strand): 5'-TAAAAAGATAGAATCTGAAAGTAAAGGAATCAAAGGAGGAAAAAAAGTTTATAAAAGTTT[G>T]ATTACTGGAAAAGTTCGATCTAATTCAGAAATTTCAGGCCAAATGAAACAGCCCCTTCAA-3'
Protein context (NP_000029.2, residues 2188-2208): IKGGKKVYKS[Leu2198Phe]ITGKVRSNSE

ClinVar aggregate classification (germline): Uncertain significance (1 of 4 stars; one submission).

Conditions:
Hereditary cancer-predisposing syndrome. Also called: Neoplastic Syndromes, Hereditary; Tumor predisposition; Hereditary neoplastic syndrome; Hereditary Cancer Syndrome. Identifiers: Orphanet 140162, MedGen C0027672, MeSH D009386, MONDO:0015356.

Submission:

Ambry Genetics
Classification: Uncertain significance for Hereditary cancer-predisposing syndrome. Last evaluated: 2023-12-15. Review status: criteria provided, single submitter. Criteria: Ambry Variant Classification Scheme 2023. Collection method: clinical testing. Allele origin: germline.
Comment: The p.L2198F variant (also known as c.6594G>T), located in coding exon 15 of the APC gene, results from a G to T substitution at nucleotide position 6594. The leucine at codon 2198 is replaced by phenylalanine, an amino acid with highly similar properties. This amino acid position is conserved. In addition, in silico predictors for this gene do not accurately predict pathogenicity. Since supporting evidence is limited at this time, the clinical significance of this alteration remains unclear.